The following is an entry in ClinVar:

NM_020750.3(XPO5):c.2322C>T (p.Asp774=)

Genes: POLR1C (RNA polymerase I and III subunit C; plus strand), XPO5 (exportin 5; minus strand). Cytogenetic location: 6p21.1.
Variant type: single nucleotide variant.
Coding change: c.2322C>T on transcript NM_020750.3 (MANE Select); coding-DNA position 2322, C replaced by T.
Protein change: p.Asp774=; no amino-acid change (aspartic acid 774 retained).
Molecular consequence: synonymous variant. On other transcripts: non-coding transcript variant (1), intron variant (1).
Genome position (GRCh38, 1-based): chr6:43,546,591, G>A on the plus strand (C>T on the coding strand, the complement: XPO5 is on the minus strand). VCF-style: chr6-43546591-G-A. GRCh37 (hg19) VCF-style: chr6-43514328-G-A.
Other names: c.923-4377G>A (NM_001363658.2).
Identifiers: ClinVar variation 3053968 (VCV003053968.2), dbSNP rs369645572, ClinGen allele CA3826187.

ClinVar aggregate classification (germline): Likely benign (0 of 4 stars; one submission).

Conditions:
XPO5-related disorder. Also called: XPO5-related condition.

Allele frequency attached by ClinVar (database versions not stated): ExAC 0.00002; gnomAD exomes 0.00001; gnomAD 0.00001; TOPMed 0.00002; ESP Exome Variant Server 0.00008.
gnomAD v4.1: 15 of 1,610,730 alleles (0.00093%); highest among the groups gnomAD compares: Admixed American, 0.0051%; no homozygotes.

Submission:

PreventionGenetics, part of Exact Sciences
Classification: Likely benign for XPO5-related condition. Last evaluated: 2023-12-08. Review status: no assertion criteria provided. Collection method: clinical testing. Allele origin: germline.
Comment: This variant is classified as likely benign based on ACMG/AMP sequence variant interpretation guidelines (Richards et al. 2015 PMID: 25741868, with internal and published modifications).